The following is an entry in ClinVar:

ClinVar aggregate classification (germline): Uncertain significance (1 of 4 stars; one submission).

Conditions:
Klippel-Feil syndrome 1, autosomal dominant (KFS1). Also called: CERVICAL VERTEBRAL FUSION, AUTOSOMAL DOMINANT. Identifiers: Orphanet 2345, MedGen C1861689, MONDO:0007306, OMIM 118100.
Microphthalmia, isolated, with coloboma 6 (MCOPCB6). Also called: Microphthalmia with coloboma 6, digenic; Microphthalmia with coloboma 6; MICROPHTHALMIA/COLOBOMA 6. Identifiers: Orphanet 98938, MedGen C3150968, MONDO:0013376, OMIM 613703.
Leber congenital amaurosis 17 (LCA17). Identifiers: MONDO:0014145, OMIM 615360, Orphanet 65, MedGen C3715164.
Isolated microphthalmia 4. Identifiers: Orphanet 2542, MedGen C2751307, MONDO:0013130, OMIM 613094.

Submission:

Labcorp Genetics (formerly Invitae), Labcorp
Classification: Uncertain significance for Isolated microphthalmia 4; Leber congenital amaurosis 17; Klippel-Feil syndrome 1, autosomal dominant; Microphthalmia, isolated, with coloboma 6. Last evaluated: 2024-12-26. Review status: criteria provided, single submitter. Criteria: Invitae Variant Classification Sherloc (09022015). Collection method: clinical testing. Allele origin: germline.
Comment: This variant, c.482_499dup, results in the insertion of 6 amino acid(s) of the GDF6 protein (p.Leu161_Leu166dup), but otherwise preserves the integrity of the reading frame. This variant is not present in population databases (gnomAD no frequency). This variant has not been reported in the literature in individuals affected with GDF6-related conditions. In summary, the available evidence is currently insufficient to determine the role of this variant in disease. Therefore, it has been classified as a Variant of Uncertain Significance.

NM_001001557.4(GDF6):c.482_499dup (p.Leu166_Arg167insLeuValGlyAlaGluLeu)

Gene: GDF6 (growth differentiation factor 6; minus strand). Cytogenetic location: 8q22.1.
Variant type: Duplication.
Coding change: c.482_499dup on transcript NM_001001557.4 (MANE Select); coding-DNA positions 482 to 499, 18 bases duplicated (TGGTGGGCGCGGAGCTGC).
Protein change: p.Leu166_Arg167insLeuValGlyAlaGluLeu.
Molecular consequence: inframe insertion.
Genome position (GRCh38, 1-based): chr8:96,145,432-96,145,449, GCAGCTCCGCGCCCACCA duplicated on the plus strand (TGGTGGGCGCGGAGCTGC on the coding strand, the reverse complement: GDF6 is on the minus strand); duplicating any 18 consecutive bases within chr8:96,145,432-96,145,451 gives the same sequence; the c. name uses the placement nearest the transcript's 3' end. VCF-style (leftmost placement, unchanged base first): chr8-96145431-C-CGCAGCTCCGCGCCCACCA. GRCh37 (hg19) VCF-style: chr8-97157659-C-CGCAGCTCCGCGCCCACCA.
Identifiers: ClinVar variation 3760129 (VCV003760129.2).
Genomic context (GRCh38, chr8:96,145,431, plus strand): 5'-TGCACGTGGAGCGGCCCGGCTGGTGGCCCCCAGGGCGCTGAGGGCGCCTGGCGAAAGAGC[C>CGCAGCTCCGCGCCCACCA]GCAGCTCCGCGCCCACCAGCTCTTCTTTGTCTGAGAGCATGGACACATCAAACAAATACT-3'